The following is an entry in ClinVar:

NM_014846.4(WASHC5):c.2410A>G (p.Thr804Ala)

Gene: WASHC5 (WASH complex subunit 5; minus strand). Cytogenetic location: 8q24.13.
Variant type: single nucleotide variant.
Coding change: c.2410A>G on transcript NM_014846.4 (MANE Select); coding-DNA position 2410, A replaced by G.
Protein change: p.Thr804Ala; replaces threonine 804 with alanine.
Molecular consequence: missense variant.
Genome position (GRCh38, 1-based): chr8:125,047,301, T>C on the plus strand (A>G on the coding strand, the complement: WASHC5 is on the minus strand). VCF-style: chr8-125047301-T-C. GRCh37 (hg19) VCF-style: chr8-126059543-T-C.
Other names: c.1966A>G, p.Thr656Ala (NM_001330609.2); short protein forms T656A, T804A.
Identifiers: ClinVar variation 862787 (VCV000862787.5), dbSNP rs1419129064, ClinGen allele CA372188982.

ClinVar aggregate classification (germline): Uncertain significance (1 of 4 stars; one submission).

Conditions:
Ritscher-Schinzel syndrome. Also called: CRANIOCEREBELLOCARDIAC DYSPLASIA. Identifiers: Orphanet 7, MedGen C0796137, MONDO:0019078.
Hereditary spastic paraplegia 8 (SPG8). Also called: SPASTIC PARAPLEGIA 8, AUTOSOMAL DOMINANT. Identifiers: Orphanet 100989, MedGen C1863704, MONDO:0011339, OMIM 603563.

Allele frequency attached by ClinVar (database versions not stated): gnomAD exomes 0.00001 and below 0.00001.
gnomAD v4.1: 3 of 1,613,904 alleles (0.00019%); highest among the groups gnomAD compares: Non-Finnish European, 0.00025%; no homozygotes.

Submission:

Labcorp Genetics (formerly Invitae), Labcorp
Classification: Uncertain significance for Ritscher-Schinzel syndrome; Hereditary spastic paraplegia 8. Last evaluated: 2022-07-23. Review status: criteria provided, single submitter. Criteria: Invitae Variant Classification Sherloc (09022015). Collection method: clinical testing. Allele origin: germline.
Comment: In summary, the available evidence is currently insufficient to determine the role of this variant in disease. Therefore, it has been classified as a Variant of Uncertain Significance. Algorithms developed to predict the effect of missense changes on protein structure and function (SIFT, PolyPhen-2, Align-GVGD) all suggest that this variant is likely to be tolerated. ClinVar contains an entry for this variant (Variation ID: 862787). This variant has not been reported in the literature in individuals affected with WASHC5-related conditions. This variant is present in population databases (no rsID available, gnomAD 0.0009%). This sequence change replaces threonine, which is neutral and polar, with alanine, which is neutral and non-polar, at codon 804 of the WASHC5 protein (p.Thr804Ala).